The following is an entry in ClinVar:

NM_001130987.2(DYSF):c.2873A>G (p.His958Arg)

Gene: DYSF (dysferlin; plus strand). Cytogenetic location: 2p13.2.
Variant type: single nucleotide variant.
Coding change: c.2873A>G on transcript NM_001130987.2 (MANE Select); coding-DNA position 2873, A replaced by G.
Protein change: p.His958Arg; replaces histidine 958 with arginine.
Molecular consequence: missense variant.
Genome position (GRCh38, 1-based): chr2:71,569,828, A>G. VCF-style: chr2-71569828-A-G. GRCh37 (hg19) VCF-style: chr2-71796958-A-G.
Other names: c.2822A>G, p.His941Arg (NM_001130455.2, NM_001130983.2); c.2777A>G, p.His926Arg (NM_001130976.2, NM_001130977.2); c.2819A>G, p.His940Arg (NM_001130978.2, NM_003494.4); c.2912A>G, p.His971Arg (NM_001130979.2); c.2870A>G, p.His957Arg (NM_001130980.2, NM_001130981.2); c.2915A>G, p.His972Arg (NM_001130982.2); c.2780A>G, p.His927Arg (NM_001130984.2, NM_001130986.2); c.2873A>G, p.His958Arg (NM_001130985.2); short protein forms H926R, H927R, H940R, H941R, H957R, H958R, H971R, H972R.
Identifiers: ClinVar variation 4074412 (VCV004074412.1).
Genomic context (GRCh38, chr2:71,569,828, plus strand): 5'-TGGGGGCCTCTCCAGCAGAGCAGCAGAGACTCTGACCAGCCCTCCTCCACAGTCTGCTCC[A>G]TGACATGGACGCCGGTCACCTGAGCTTCGTGGAAGAGGTGTTTGAGAACCAGACCCGGCT-3'
Protein context (NP_001124459.1, residues 948-968): WFVCPEKTLL[His958Arg]DMDAGHLSFV

ClinVar aggregate classification (germline): Uncertain significance (1 of 4 stars; one submission).

gnomAD v4.1: 6 of 1,613,752 alleles (0.00037%); highest among the groups gnomAD compares: Middle Eastern, 0.016%; no homozygotes.

Submission:

GeneDx
Classification: Uncertain significance. Last evaluated: 2025-02-11. Review status: criteria provided, single submitter. Criteria: GeneDx Variant Classification Process June 2021. Collection method: clinical testing. Allele origin: germline. Affected: yes.
Comment: Not observed at significant frequency in large population cohorts (gnomAD); In silico analysis supports that this missense variant has a deleterious effect on protein structure/function; Has not been previously published as pathogenic or benign to our knowledge; This variant is associated with the following publications: (PMID: 24438169)